The following is an entry in ClinVar:

ClinVar aggregate classification (germline): Pathogenic. Review status: criteria provided, multiple submitters, no conflicts (2 of 4 stars). 3 submissions from 3 submitters: Pathogenic (2). 1 of the submissions does not count toward it. Last evaluated 2025-04-10.

Conditions:
Cardiovascular phenotype. Identifiers: MedGen CN230736.
Long QT syndrome (LQTS). Identifiers: MedGen C0023976, MeSH D008133, MONDO:0002442. Disease mechanism: loss of function. Inheritance: Various modes of inheritance.
Long QT syndrome 2 (LQT2). Identifiers: Orphanet 101016, Orphanet 768, MedGen C3150943, MONDO:0013367, OMIM 613688.

Submissions (3):

Molecular Diagnostic Laboratory for Inherited Cardiovascular Disease, Montreal Heart Institute
Classification: Pathogenic for Cardiovascular phenotype. Last evaluated: 2025-04-10. Review status: criteria provided, single submitter. Criteria: ACMG Guidelines, 2015. Collection method: clinical testing. Allele origin: germline. Affected: yes.
Comment: PVS1, PM2, PS4_supp

Labcorp Genetics (formerly Invitae), Labcorp
Classification: Pathogenic for Long QT syndrome. Last evaluated: 2019-10-10. Review status: criteria provided, single submitter. Criteria: Invitae Variant Classification Sherloc (09022015). Collection method: clinical testing. Allele origin: germline.
Comment: This sequence change creates a premature translational stop signal (p.Gln335*) in the KCNH2 gene. It is expected to result in an absent or disrupted protein product. This variant is not present in population databases (ExAC no frequency). This variant has been observed in individuals affected with long QT syndrome (PMID: 19926013). Loss-of-function variants in KCNH2 are known to be pathogenic (PMID: 10973849, 19862833). For these reasons, this variant has been classified as Pathogenic.

deCODE genetics, Amgen
Classification: Likely pathogenic for Long QT syndrome 2. Last evaluated: 2023-07-21. Review status: no assertion criteria provided. Collection method: research. Allele origin: germline. Affected: yes. Observed: 1 variant allele. Not counted in ClinVar's aggregate classification.
Comment: The variant NM_000238.4:c.1003C>T (chr7:150957416) in KCNH2 was detected in 1 heterozygote out of 58K WGS Icelanders (MAF= 0,001%). This variant has been reported in ClinVar previously as pathogenic. Based on ACMG criteria (PVS1, PM2) this variant classifies as likely pathogenic.

Literature cited by the submitters: PubMed 19926013 (cited by Labcorp Genetics (formerly Invitae), Labcorp); PubMed 10973849 (cited by Labcorp Genetics (formerly Invitae), Labcorp); PubMed 19862833 (cited by Labcorp Genetics (formerly Invitae), Labcorp).

NM_000238.4(KCNH2):c.1003C>T (p.Gln335Ter)

Gene: KCNH2 (potassium voltage-gated channel subfamily H member 2; minus strand). Cytogenetic location: 7q36.1.
Variant type: single nucleotide variant.
Coding change: c.1003C>T on transcript NM_000238.4 (MANE Select); coding-DNA position 1003, C replaced by T.
Protein change: p.Gln335Ter; replaces glutamine 335 with a stop codon.
Molecular consequence: nonsense.
Genome position (GRCh38, 1-based): chr7:150,957,416, G>A on the plus strand (C>T on the coding strand, the complement: KCNH2 is on the minus strand). VCF-style: chr7-150957416-G-A. GRCh37 (hg19) VCF-style: chr7-150654504-G-A.
Other names: c.715C>T, p.Gln239Ter (NM_001406753.1, NM_001406756.1); c.826C>T, p.Gln276Ter (NM_001406755.1); c.703C>T, p.Gln235Ter (NM_001406757.1); c.1003C>T, p.Gln335Ter (NM_172056.3); short protein forms Q335*, Q235*, Q276*, Q239*.
Identifiers: ClinVar variation 968402 (VCV000968402.27), dbSNP rs1801410644, ClinGen allele CA369861673.
Genomic context (GRCh38, chr7:150,957,416, plus strand): 5'-CACTGGTGGGCGAAGCCAAGAAGGGGTCGCCCTTGAGGTCCACAAAGTTGAGGGTGATTT[G>A]GGGAATCTTGCTAATGGTGCGGTAGCGCACGAGGTCGGAGTCCGAGGTGGAGTTGAGCAA-3'